The following is an entry in ClinVar:

ClinVar aggregate classification (germline): Likely benign (1 of 4 stars; one submission).

gnomAD v4.1: 11 of 1,613,862 alleles (0.00068%); highest among the groups gnomAD compares: Admixed American, 0.0033%; no homozygotes.

Submission:

CeGaT Center for Human Genetics Tuebingen
Classification: Likely benign. Last evaluated: 2025-06-01. Review status: criteria provided, single submitter. Criteria: CeGaT Center For Human Genetics Tuebingen Variant Classification Criteria Version 2. Collection method: clinical testing. Allele origin: germline. Affected: yes. Observed: 1 variant allele.
Comment: SPG7: BP4, BP7

NM_003119.4(SPG7):c.447G>A (p.Ala149=)

Gene: SPG7 (SPG7 matrix AAA peptidase subunit, paraplegin; plus strand). Cytogenetic location: 16q24.3.
Variant type: single nucleotide variant.
Coding change: c.447G>A on transcript NM_003119.4 (MANE Select); coding-DNA position 447, G replaced by A.
Protein change: p.Ala149=; no amino-acid change (alanine 149 retained).
Molecular consequence: synonymous variant.
Genome position (GRCh38, 1-based): chr16:89,524,076, G>A. VCF-style: chr16-89524076-G-A. GRCh37 (hg19) VCF-style: chr16-89590484-G-A.
Other names: c.447G>A, p.Ala149= (NM_001363850.1, NM_199367.3).
Identifiers: ClinVar variation 4083995 (VCV004083995.8).
Genomic context (GRCh38, chr16:89,524,076, plus strand): 5'-ACGCCGTGAGCGGGACGACCAGATGTACCGAGAGCGGCTGCGCACCTTGCTGGTCATCGC[G>A]GTTGTCATGAGCCTCCTGAATGCTCTCAGCACCAGCGGAGGCAGCATTTCCTGGAACGAC-3'
Protein context (NP_003110.1, residues 139-159): RERLRTLLVI[Ala149=]VVMSLLNALS